The following is an entry in ClinVar:

ClinVar aggregate classification (germline): Uncertain significance (1 of 4 stars; one submission).

Allele frequency attached by ClinVar (database versions not stated): gnomAD exomes below 0.00001.

Submission:

Labcorp Genetics (formerly Invitae), Labcorp
Classification: Uncertain significance. Last evaluated: 2023-05-30. Review status: criteria provided, single submitter. Criteria: Invitae Variant Classification Sherloc (09022015). Collection method: clinical testing. Allele origin: germline.
Comment: In summary, the available evidence is currently insufficient to determine the role of this variant in disease. Therefore, it has been classified as a Variant of Uncertain Significance. An algorithm developed to predict the effect of missense changes on protein structure and function (PolyPhen-2) suggests that this variant is likely to be tolerated. This variant has not been reported in the literature in individuals affected with CLCN6-related conditions. This variant is present in population databases (no rsID available, gnomAD 0.003%). This sequence change replaces leucine, which is neutral and non-polar, with proline, which is neutral and non-polar, at codon 185 of the CLCN6 protein (p.Leu185Pro).

NM_001286.5(CLCN6):c.554T>C (p.Leu185Pro)

Gene: CLCN6 (chloride voltage-gated channel 6; plus strand). Cytogenetic location: 1p36.22.
Variant type: single nucleotide variant.
Coding change: c.554T>C on transcript NM_001286.5 (MANE Select); coding-DNA position 554, T replaced by C.
Protein change: p.Leu185Pro; replaces leucine 185 with proline.
Molecular consequence: missense variant. On other transcripts: non-coding transcript variant (1).
Genome position (GRCh38, 1-based): chr1:11,823,807, T>C. VCF-style: chr1-11823807-T-C. GRCh37 (hg19) VCF-style: chr1-11883864-T-C.
Other names: c.488T>C, p.Leu163Pro (NM_001256959.2); short protein forms L163P, L185P.
Identifiers: ClinVar variation 2749284 (VCV002749284.3), dbSNP rs1319865611, ClinGen allele CA338427975.